The following is an entry in ClinVar:

NM_000327.4(ROM1):c.289C>T (p.Arg97Ter)

Gene: ROM1 (retinal outer segment membrane protein 1; plus strand). Cytogenetic location: 11q12.3.
Variant type: single nucleotide variant.
Coding change: c.289C>T on transcript NM_000327.4 (MANE Select); coding-DNA position 289, C replaced by T.
Protein change: p.Arg97Ter; replaces arginine 97 with a stop codon.
Molecular consequence: nonsense.
Genome position (GRCh38, 1-based): chr11:62,613,570, C>T. VCF-style: chr11-62613570-C-T. GRCh37 (hg19) VCF-style: chr11-62381042-C-T.
Other names: short protein forms R97*.
Identifiers: ClinVar variation 840242 (VCV000840242.8), dbSNP rs201595136, ClinGen allele CA6049690.

ClinVar aggregate classification (germline): Uncertain significance. Review status: criteria provided, multiple submitters, no conflicts (2 of 4 stars). 2 submissions from 2 submitters: Uncertain significance (2). Last evaluated 2025-04-08.

Allele frequency attached by ClinVar (database versions not stated): gnomAD exomes 0.00002 and 0.00005; TOPMed 0.00003; ExAC 0.00004; gnomAD 0.00005 and 0.00006; ESP Exome Variant Server 0.00008.
gnomAD v4.1: 85 of 1,613,430 alleles (0.0053%); highest among the groups gnomAD compares: African/African-American, 0.008%; no homozygotes.

Submissions (2):

Labcorp Genetics (formerly Invitae), Labcorp
Classification: Uncertain significance. Last evaluated: 2025-04-08. Review status: criteria provided, single submitter. Criteria: Invitae Variant Classification Sherloc (09022015). Collection method: clinical testing. Allele origin: germline.
Comment: This sequence change creates a premature translational stop signal (p.Arg97*) in the ROM1 gene. It is expected to result in an absent or disrupted protein product. However, the current clinical and genetic evidence is not sufficient to establish whether loss-of-function variants in ROM1 cause disease. This variant is present in population databases (rs201595136, gnomAD 0.01%). This variant has not been reported in the literature in individuals affected with ROM1-related conditions. ClinVar contains an entry for this variant (Variation ID: 840242). In summary, the available evidence is currently insufficient to determine the role of this variant in disease. Therefore, it has been classified as a Variant of Uncertain Significance.

Blueprint Genetics
Classification: Uncertain significance. Last evaluated: 2024-07-17. Review status: criteria provided, single submitter. Criteria: ACMG Guidelines, 2015. Collection method: clinical testing. Allele origin: germline.